The following is an entry in ClinVar:

NM_023110.3(FGFR1):c.2049-12G>A

Gene: FGFR1 (fibroblast growth factor receptor 1; minus strand). Cytogenetic location: 8p11.23.
Variant type: single nucleotide variant.
Coding change: c.2049-12G>A on transcript NM_023110.3 (MANE Select); 12 bases into the intron before coding-DNA position 2049, G replaced by A.
Molecular consequence: intron variant.
Genome position (GRCh38, 1-based): chr8:38,414,301, C>T on the plus strand (G>A on the coding strand, the complement: FGFR1 is on the minus strand). VCF-style: chr8-38414301-C-T. GRCh37 (hg19) VCF-style: chr8-38271819-C-T.
Other names: c.1770-12G>A (NM_001354368.2); c.1776-12G>A (NM_001354370.2, NM_023106.3); c.1782-12G>A (NM_023105.3, NM_001174066.2); c.2043-12G>A (NM_001354367.2, NM_015850.4, NM_001174063.2 and 1 more transcripts); c.2019-12G>A (NM_001174064.2); c.2037-12G>A (NM_001354369.2); c.2142-12G>A (NM_001174067.2).
Identifiers: ClinVar variation 1220137 (VCV001220137.9), dbSNP rs563601371, ClinGen allele CA4718186.

ClinVar aggregate classification (germline): Conflicting classifications of pathogenicity. Review status: criteria provided, conflicting classifications (1 of 4 stars). 3 submissions from 3 submitters: Uncertain significance (1); Likely benign (2). Last evaluated 2025-02-03.

Conditions:
Pfeiffer syndrome (ACS5). Also called: ACS V. Identifiers: Orphanet 710, MedGen C0220658, MONDO:0007043, OMIM 101600.
Hypogonadotropic hypogonadism 2 with or without anosmia (HH2). Also called: FGFR1-Related GnRH Deficiency (Kallmann Syndrome 2); HYPOGONADOTROPIC HYPOGONADISM 2 WITHOUT ANOSMIA; HYPOGONADOTROPIC HYPOGONADISM 2 WITH OR WITHOUT ANOSMIA, SUSCEPTIBILITY TO; HYPOGONADOTROPIC HYPOGONADISM 2 WITHOUT ANOSMIA, SUSCEPTIBILITY TO. Identifiers: Orphanet 478, MedGen C1563720, MONDO:0007844, OMIM 147950. Disease mechanism: loss of function.

Allele frequency attached by ClinVar (database versions not stated): gnomAD exomes 0.00001; TOPMed 0.00002; gnomAD 0.00003; 1000 Genomes Project 30x 0.00016; 1000 Genomes Project 0.00020.
gnomAD v4.1: 24 of 1,614,136 alleles (0.0015%); highest among the groups gnomAD compares: South Asian, 0.0088%; no homozygotes.

Submissions (3):

Labcorp Genetics (formerly Invitae), Labcorp
Classification: Likely benign for Pfeiffer syndrome; Hypogonadotropic hypogonadism 2 with or without anosmia. Last evaluated: 2025-02-03. Review status: criteria provided, single submitter. Criteria: Invitae Variant Classification Sherloc (09022015). Collection method: clinical testing. Allele origin: germline.

Blueprint Genetics
Classification: Likely benign. Last evaluated: 2022-05-30. Review status: criteria provided, single submitter. Criteria: ACMG Guidelines, 2015. Collection method: clinical testing. Allele origin: germline.

GeneDx
Classification: Uncertain significance. Last evaluated: 2020-01-07. Review status: criteria provided, single submitter. Criteria: GeneDx Variant Classification Process June 2021. Collection method: clinical testing. Allele origin: germline. Affected: yes.
Comment: In silico analysis, which includes splice predictors and evolutionary conservation, supports that this variant does not alter protein structure/function; Has not been previously published as pathogenic or benign to our knowledge